The following is an entry in ClinVar:

ClinVar aggregate classification (germline): Uncertain significance. Review status: criteria provided, multiple submitters, no conflicts (2 of 4 stars). 5 submissions from 5 submitters: Uncertain significance (5). Last evaluated 2025-02-27.

Conditions:
Arrhythmogenic cardiomyopathy with wooly hair and keratoderma. Also called: Dilated cardiomyopathy with woolly hair and keratoderma; Arrhythmogenic cardiomyopathy with woolly hair and keratoderma; PALMOPLANTAR KERATODERMA WITH LEFT VENTRICULAR CARDIOMYOPATHY AND WOOLLY HAIR; Carvajal syndrome. Identifiers: Orphanet 65282, MedGen C1854063, MONDO:0011581, OMIM 605676.
Arrhythmogenic right ventricular dysplasia 8 (ARVD8). Also called: Arrhythmogenic Right Ventricular Dysplasia/Cardiomyopathy 8; ARRHYTHMOGENIC RIGHT VENTRICULAR DYSPLASIA, FAMILIAL, 8; ARRHYTHMOGENIC RIGHT VENTRICULAR CARDIOMYOPATHY 8. Identifiers: MedGen C1843896, MONDO:0011831, OMIM 607450.
Cardiomyopathy (CMYO). Also called: Cardiomyopathies. Identifiers: Orphanet 167848, MedGen C0878544, MONDO:0004994, HP:0001638. Inheritance: Various modes of inheritance.

Allele frequency attached by ClinVar (database versions not stated): gnomAD exomes below 0.00001; ESP Exome Variant Server 0.00008.
gnomAD v4.1: 2 of 1,614,106 alleles (0.00012%); highest among the groups gnomAD compares: Non-Finnish European, 0.00017%; no homozygotes.

Submissions (5):

Labcorp Genetics (formerly Invitae), Labcorp
Classification: Uncertain significance for Arrhythmogenic cardiomyopathy with wooly hair and keratoderma; Arrhythmogenic right ventricular dysplasia 8. Last evaluated: 2025-02-27. Review status: criteria provided, single submitter. Criteria: Invitae Variant Classification Sherloc (09022015). Collection method: clinical testing. Allele origin: germline.
Comment: This sequence change replaces proline, which is neutral and non-polar, with threonine, which is neutral and polar, at codon 2285 of the DSP protein (p.Pro2285Thr). This variant is present in population databases (rs377085222, gnomAD 0.0009%). This variant has not been reported in the literature in individuals affected with DSP-related conditions. ClinVar contains an entry for this variant (Variation ID: 44942). An algorithm developed to predict the effect of missense changes on protein structure and function (PolyPhen-2) suggests that this variant is likely to be disruptive. In summary, the available evidence is currently insufficient to determine the role of this variant in disease. Therefore, it has been classified as a Variant of Uncertain Significance.

GeneDx
Classification: Uncertain significance. Last evaluated: 2025-01-16. Review status: criteria provided, single submitter. Criteria: GeneDx Variant Classification Process June 2021. Collection method: clinical testing. Allele origin: germline. Affected: yes.
Comment: Has not been previously published as pathogenic or benign to our knowledge; In silico analysis supports that this missense variant has a deleterious effect on protein structure/function; Not observed at significant frequency in large population cohorts (gnomAD)

Color Diagnostics, LLC DBA Color Health
Classification: Uncertain significance for Cardiomyopathy. Last evaluated: 2024-03-06. Review status: criteria provided, single submitter. Criteria: ACMG Guidelines, 2015. Collection method: clinical testing. Allele origin: germline.
Comment: This missense variant replaces proline with threonine at codon 2285 of the DSP protein. Computational prediction suggests that this variant may not impact protein structure and function (internally defined REVEL score threshold <= 0.5, PMID: 27666373). To our knowledge, functional studies have not been reported for this variant. This variant has not been reported in individuals affected with cardiovascular disorders in the literature. This variant has been identified in 1/251490 chromosomes in the general population by the Genome Aggregation Database (gnomAD). The available evidence is insufficient to determine the role of this variant in disease conclusively. Therefore, this variant is classified as a Variant of Uncertain Significance.

All of Us Research Program, National Institutes of Health
Classification: Uncertain significance for Arrhythmogenic cardiomyopathy with wooly hair and keratoderma. Last evaluated: 2023-11-20. Review status: criteria provided, single submitter. Criteria: ACMG Guidelines, 2015. Collection method: clinical testing. Allele origin: germline. Inheritance: Autosomal dominant inheritance. Observed: 3 variant alleles, 3 heterozygotes.
Comment: This missense variant replaces proline with threonine at codon 2285 of the DSP protein. Computational prediction suggests that this variant may not impact protein structure and function (internally defined REVEL score threshold <= 0.5, PMID: 27666373). To our knowledge, functional studies have not been reported for this variant. This variant has not been reported in individuals affected with cardiovascular disorders in the literature. This variant has been identified in 1/251490 chromosomes in the general population by the Genome Aggregation Database (gnomAD). The available evidence is insufficient to determine the role of this variant in disease conclusively. Therefore, this variant is classified as a Variant of Uncertain Significance.

This study involves interpretation of variants in research participants for the purpose of population health screening. Participant phenotype was not available at the time of variant classification. Additional details can be found in publication PMID: 35346344, PMCID: PMC8962531

Laboratory for Molecular Medicine, Mass General Brigham Personalized Medicine
Classification: Uncertain significance. Last evaluated: 2010-11-15. Review status: criteria provided, single submitter. Criteria: LMM Criteria. Collection method: clinical testing. Allele origin: germline. Observed: 1 variant allele.
Comment: The Pro2285Thr variant has not been reported in the literature nor has it been d etected in over 170 Caucasian probands tested by our laboratory. Proline (Pro) a t position 2285 is conserved in mammals as well as in several more distantly rel ated species and two computer prediction programs (Polyphen and SIFT) predict th e change to be deleterious. However, one species (stickleback) carries a differ ent amino acid, raising the possibility that a change at this position may be to lerated. In summary, the clinical significance of the Pro2285Thr variant cannot be determined without additional studies.

NM_004415.4(DSP):c.6853C>A (p.Pro2285Thr)

Gene: DSP (desmoplakin; plus strand). Cytogenetic location: 6p24.3.
Variant type: single nucleotide variant.
Coding change: c.6853C>A on transcript NM_004415.4 (MANE Select); coding-DNA position 6853, C replaced by A.
Protein change: p.Pro2285Thr; replaces proline 2285 with threonine.
Molecular consequence: missense variant.
Genome position (GRCh38, 1-based): chr6:7,584,115, C>A. VCF-style: chr6-7584115-C-A. GRCh37 (hg19) VCF-style: chr6-7584348-C-A.
Other names: c.5056C>A, p.Pro1686Thr (NM_001008844.3); c.5524C>A, p.Pro1842Thr (NM_001319034.2); short protein forms P2285T, P1686T, P1842T.
Identifiers: ClinVar variation 44942 (VCV000044942.20), dbSNP rs377085222, ClinGen allele CA007050.